The following is an entry in ClinVar:

NM_001330078.2(NRXN1):c.883G>A (p.Asp295Asn)

Gene: NRXN1 (neurexin 1; minus strand). Cytogenetic location: 2p16.3.
Variant type: single nucleotide variant.
Coding change: c.883G>A on transcript NM_001330078.2 (MANE Select); coding-DNA position 883, G replaced by A.
Protein change: p.Asp295Asn; replaces aspartic acid 295 with asparagine.
Molecular consequence: missense variant.
Genome position (GRCh38, 1-based): chr2:50,623,565, C>T on the plus strand (G>A on the coding strand, the complement: NRXN1 is on the minus strand). VCF-style: chr2-50623565-C-T. GRCh37 (hg19) VCF-style: chr2-50850703-C-T.
Other names: c.982G>A, p.Asp328Asn (NM_001135659.3); c.883G>A, p.Asp295Asn (NM_001330077.2, NM_001330082.2, NM_001330085.2 and 3 more transcripts); c.823G>A, p.Asp275Asn (NM_001330083.2, NM_001330084.2, NM_001330087.2 and 1 more transcripts); c.853G>A, p.Asp285Asn (NM_001330088.2); c.880G>A, p.Asp294Asn (NM_001330093.2); c.871G>A, p.Asp291Asn (NM_001330094.2); c.982G>A (NM_001135659.1); short protein forms D275N, D294N, D295N, D328N, D285N, D291N.
Identifiers: ClinVar variation 3703951 (VCV003703951.3).

ClinVar aggregate classification (germline): Uncertain significance. Review status: criteria provided, multiple submitters, no conflicts (2 of 4 stars). 2 submissions from 2 submitters: Uncertain significance (2). Last evaluated 2025-01-13.

Conditions:
Inborn genetic diseases. Identifiers: MedGen C0950123, MeSH D030342.
Pitt-Hopkins-like syndrome 2 (PTHSL2). Identifiers: Orphanet 221150, Orphanet 600663, MedGen C3280479, MONDO:0013690, OMIM 614325.

Submissions (2):

Labcorp Genetics (formerly Invitae), Labcorp
Classification: Uncertain significance for Pitt-Hopkins-like syndrome 2. Last evaluated: 2025-01-13. Review status: criteria provided, single submitter. Criteria: Invitae Variant Classification Sherloc (09022015). Collection method: clinical testing. Allele origin: germline.
Comment: This sequence change replaces aspartic acid, which is acidic and polar, with asparagine, which is neutral and polar, at codon 328 of the NRXN1 protein (p.Asp328Asn). The frequency data for this variant in the population databases is considered unreliable, as metrics indicate poor data quality at this position in the gnomAD database. This variant has not been reported in the literature in individuals affected with NRXN1-related conditions. An algorithm developed to predict the effect of missense changes on protein structure and function (PolyPhen-2) suggests that this variant is likely to be tolerated. In summary, the available evidence is currently insufficient to determine the role of this variant in disease. Therefore, it has been classified as a Variant of Uncertain Significance.

Ambry Genetics
Classification: Uncertain significance for Inborn genetic diseases. Last evaluated: 2024-12-11. Review status: criteria provided, single submitter. Criteria: Ambry Variant Classification Scheme 2023. Collection method: clinical testing. Allele origin: germline.